The following is an entry in ClinVar:

NM_001130987.2(DYSF):c.1002+4A>G

Gene: DYSF (dysferlin; plus strand). Cytogenetic location: 2p13.2.
Variant type: single nucleotide variant.
Coding change: c.1002+4A>G on transcript NM_001130987.2 (MANE Select); 4 bases into the intron after coding-DNA position 1002, A replaced by G.
Molecular consequence: intron variant.
Genome position (GRCh38, 1-based): chr2:71,517,043, A>G. VCF-style: chr2-71517043-A-G. GRCh37 (hg19) VCF-style: chr2-71744173-A-G.
Other names: c.999+4A>G (NM_001130979.2, NM_001130981.2, NM_001130980.2); c.906+4A>G (NM_001130978.2, NM_003494.4, NM_001130977.2 and 1 more transcripts); c.1002+4A>G (NM_001130982.2, NM_001130985.2); c.909+4A>G (NM_001130983.2, NM_001130455.2, NM_001130984.2 and 1 more transcripts).
Identifiers: ClinVar variation 864798 (VCV000864798.13), dbSNP rs905322985, ClinGen allele CA49761619.

ClinVar aggregate classification (germline): Pathogenic/Likely pathogenic. Review status: criteria provided, multiple submitters, no conflicts (2 of 4 stars). 4 submissions from 4 submitters: Pathogenic (2); Likely pathogenic (2). Last evaluated 2025-10-03.

Conditions:
Autosomal recessive limb-girdle muscular dystrophy type 2B (LGMDR2). Also called: Limb-Girdle Muscular Dystrophy Type 2B (LGMD2B); MUSCULAR DYSTROPHY, LIMB-GIRDLE, TYPE 3; Limb-girdle muscular dystrophy, type 2B; MUSCULAR DYSTROPHY, LIMB-GIRDLE, AUTOSOMAL RECESSIVE 2. Identifiers: Orphanet 268, MedGen C1850889, MONDO:0009676, OMIM 253601.
Miyoshi muscular dystrophy 1 (MMD1). Identifiers: Orphanet 45448, MedGen C4551973, MONDO:0024545, OMIM 254130.
Distal myopathy with anterior tibial onset. Identifiers: Orphanet 178400, MedGen C1847532, MONDO:0011721, OMIM 606768.
Neuromuscular disease caused by qualitative or quantitative defects of dysferlin. Also called: Dysferlinopathy; Qualitative or quantitative defects of dysferlin. Identifiers: Orphanet 207073, MedGen C2931687, MONDO:0016145.

Allele frequency attached by ClinVar (database versions not stated): gnomAD exomes below 0.00001; TOPMed 0.00002.
gnomAD v4.1: 7 of 1,613,858 alleles (0.00043%); highest among the groups gnomAD compares: Non-Finnish European, 0.00059%; no homozygotes.

Submissions (4):

Labcorp Genetics (formerly Invitae), Labcorp
Classification: Pathogenic for Neuromuscular disease caused by qualitative or quantitative defects of dysferlin. Last evaluated: 2025-10-03. Review status: criteria provided, single submitter. Criteria: Invitae Variant Classification Sherloc (09022015). Collection method: clinical testing. Allele origin: germline.
Comment: This sequence change falls in intron 9 of the DYSF gene. It does not directly change the encoded amino acid sequence of the DYSF protein. RNA analysis indicates that this variant induces altered splicing and likely results in a shortened protein product. This variant is not present in population databases (gnomAD no frequency). This variant has been observed in individual(s) with dysferlinopathy (PMID: 21522182, 33715265). ClinVar contains an entry for this variant (Variation ID: 864798). Variants that disrupt the consensus splice site are a relatively common cause of aberrant splicing (PMID: 17576681, 9536098). Studies have shown that this variant results in skipping of 9, but is expected to preserve the integrity of the reading-frame (PMID: 21522182). For these reasons, this variant has been classified as Pathogenic.

Natera, Inc.
Classification: Likely pathogenic for Limb-girdle muscular dystrophy type 2B. Last evaluated: 2024-04-26. Review status: criteria provided, single submitter. Criteria: Natera Variant Classification Schema (03/2026). Collection method: clinical testing. Allele origin: germline.
Comment: The c.906+4A>G variant in DYSF is an intronic variant located outside the canonical splice sites. This variant is rare in the general population with a frequency below the threshold expected for the associated phenotype(s). This variant has been observed in one or more individuals affected with the associated recessive disease, as either homozygous or compound heterozygous with a second variant (PMID: 21522182, 33715265). Functional studies show that this variant may disrupt protein function (PMID: 21522182). Computational prediction algorithms indicate this variant is likely to affect gene or protein function. Given the available evidence, this variant is classified as Likely Pathogenic.

Baylor Genetics
Classification: Pathogenic for Miyoshi muscular dystrophy 1. Last evaluated: 2024-02-05. Review status: criteria provided, single submitter. Criteria: ACMG Guidelines, 2015. Collection method: clinical testing. Allele origin: unknown.

Fulgent Genetics
Classification: Likely pathogenic for Autosomal recessive limb-girdle muscular dystrophy type 2B; Miyoshi muscular dystrophy 1; Distal myopathy with anterior tibial onset. Last evaluated: 2021-10-29. Review status: criteria provided, single submitter. Criteria: ACMG Guidelines, 2015. Collection method: clinical testing. Allele origin: unknown.

Literature cited by the submitters: PubMed 21522182 (cited by Labcorp Genetics (formerly Invitae), Labcorp and Natera, Inc.); PubMed 33715265 (cited by Labcorp Genetics (formerly Invitae), Labcorp and Natera, Inc.); PubMed 17576681 (cited by Labcorp Genetics (formerly Invitae), Labcorp); PubMed 9536098 (cited by Labcorp Genetics (formerly Invitae), Labcorp).